The following is an entry in ClinVar:

ClinVar aggregate classification (germline): Uncertain significance (1 of 4 stars; one submission).

Conditions:
Ververi-Brady syndrome. Identifiers: MedGen C4693824, MONDO:0979877, MONDO:0060707.

Allele frequency attached by ClinVar (database versions not stated): gnomAD exomes below 0.00001.
gnomAD v4.1: 1 of 1,614,060 alleles (0.000062%); highest among the groups gnomAD compares: Non-Finnish European, 0.000085%; no homozygotes.

Submission:

GeneDx
Classification: Uncertain significance. Last evaluated: 2019-07-24. Review status: criteria provided, single submitter. Criteria: GeneDx Variant Classification Process June 2021. Collection method: clinical testing. Allele origin: germline. Affected: yes.
Comment: Has not been previously published as pathogenic or benign to our knowledge; Not observed in large population cohorts (Lek et al., 2016); In silico analysis, which includes protein predictors and evolutionary conservation, supports that this variant does not alter protein structure/function

NM_198880.3(QRICH1):c.1291A>G (p.Thr431Ala)

Gene: QRICH1 (glutamine rich 1; minus strand). Cytogenetic location: 3p21.31.
Variant type: single nucleotide variant.
Coding change: c.1291A>G on transcript NM_198880.3 (MANE Select); coding-DNA position 1291, A replaced by G.
Protein change: p.Thr431Ala; replaces threonine 431 with alanine.
Molecular consequence: missense variant.
Genome position (GRCh38, 1-based): chr3:49,056,909, T>C on the plus strand (A>G on the coding strand, the complement: QRICH1 is on the minus strand). VCF-style: chr3-49056909-T-C. GRCh37 (hg19) VCF-style: chr3-49094342-T-C.
Other names: c.1291A>G, p.Thr431Ala (NM_001320580.2, NM_001320581.2, NM_001320582.2 and 4 more transcripts); short protein forms T431A.
Identifiers: ClinVar variation 1307362 (VCV001307362.3), dbSNP rs779853008, ClinGen allele CA74003664.